The following is an entry in ClinVar:

ClinVar aggregate classification (germline): Uncertain significance (1 of 4 stars; one submission).

Conditions:
Pontocerebellar hypoplasia type 3 (PCH3). Also called: PCH WITH OPTIC ATROPHY; CEREBELLAR ATROPHY WITH PROGRESSIVE MICROCEPHALY. Identifiers: Orphanet 97249, MedGen C1842687, MONDO:0011948, OMIM 608027.

Allele frequency attached by ClinVar (database versions not stated): gnomAD exomes below 0.00001.
gnomAD v4.1: 1 of 1,612,790 alleles (0.000062%); highest among the groups gnomAD compares: South Asian, 0.0011%; no homozygotes.

Submission:

Baylor Genetics
Classification: Uncertain significance for Pontocerebellar hypoplasia type 3. Last evaluated: 2018-01-29. Review status: criteria provided, single submitter. Criteria: ACMG Guidelines, 2015. Collection method: clinical testing. Allele origin: paternal. Affected: yes.
Comment: This variant was determined to be of uncertain significance according to ACMG Guidelines, 2015 [PMID:25741868].

NM_033026.6(PCLO):c.2576A>G (p.Gln859Arg)

Gene: PCLO (piccolo presynaptic cytomatrix protein; minus strand). Cytogenetic location: 7q21.11.
Variant type: single nucleotide variant.
Coding change: c.2576A>G on transcript NM_033026.6 (MANE Select); coding-DNA position 2576, A replaced by G.
Protein change: p.Gln859Arg; replaces glutamine 859 with arginine.
Molecular consequence: missense variant.
Genome position (GRCh38, 1-based): chr7:83,134,974, T>C on the plus strand (A>G on the coding strand, the complement: PCLO is on the minus strand). VCF-style: chr7-83134974-T-C. GRCh37 (hg19) VCF-style: chr7-82764290-T-C.
Other names: c.2576A>G, p.Gln859Arg (NM_014510.3); short protein forms Q859R.
Identifiers: ClinVar variation 1032311 (VCV001032311.1), dbSNP rs1791681904, ClinGen allele CA367899711.